The following is an entry in ClinVar:

NM_000368.5(TSC1):c.3170G>T (p.Gly1057Val)

Gene: TSC1 (TSC complex subunit 1; minus strand). Cytogenetic location: 9q34.13.
Variant type: single nucleotide variant.
Coding change: c.3170G>T on transcript NM_000368.5 (MANE Select); coding-DNA position 3170, G replaced by T.
Protein change: p.Gly1057Val; replaces glycine 1057 with valine.
Molecular consequence: missense variant.
Genome position (GRCh38, 1-based): chr9:132,896,560, C>A on the plus strand (G>T on the coding strand, the complement: TSC1 is on the minus strand). VCF-style: chr9-132896560-C-A. GRCh37 (hg19) VCF-style: chr9-135771947-C-A.
Other names: c.3167G>T, p.Gly1056Val (NM_001162426.2); c.3017G>T, p.Gly1006Val (NM_001162427.2); c.2807G>T, p.Gly936Val (NM_001362177.2); short protein forms G1056V, G936V, G1057V, G1006V.
Identifiers: ClinVar variation 810455 (VCV000810455.53), dbSNP rs1588287204, ClinGen allele CA375367154.

ClinVar aggregate classification (germline): Uncertain significance. Review status: criteria provided, multiple submitters, no conflicts (2 of 4 stars). 5 submissions from 5 submitters: Uncertain significance (5). Last evaluated 2025-01-22.

Conditions:
Tuberous sclerosis 1 (TSC1). Identifiers: Orphanet 805, MedGen C1854465, MONDO:0008612, OMIM 191100.
Hereditary cancer-predisposing syndrome. Also called: Tumor predisposition; Hereditary neoplastic syndrome; Neoplastic Syndromes, Hereditary; Hereditary Cancer Syndrome. Identifiers: Orphanet 140162, MedGen C0027672, MeSH D009386, MONDO:0015356.
Lymphangiomyomatosis (LAM). Also called: Lymphangioleiomyomatosis, somatic; Lymphangioleiomyomatosis. Identifiers: Orphanet 538, MedGen C0751674, MONDO:0011705, OMIM 606690.
Isolated focal cortical dysplasia type II (FCORD2). Also called: Focal cortical dysplasia type II; CORTICAL DYSPLASIA OF TAYLOR. Identifiers: Orphanet 268994, MedGen C1846385, MONDO:0011818, OMIM 607341, HP:0032051.

Submissions (5):

Labcorp Genetics (formerly Invitae), Labcorp
Classification: Uncertain significance for Tuberous sclerosis 1. Last evaluated: 2025-01-22. Review status: criteria provided, single submitter. Criteria: Invitae Variant Classification Sherloc (09022015). Collection method: clinical testing. Allele origin: germline.
Comment: This sequence change replaces glycine, which is neutral and non-polar, with valine, which is neutral and non-polar, at codon 1057 of the TSC1 protein (p.Gly1057Val). This variant is not present in population databases (gnomAD no frequency). This variant has not been reported in the literature in individuals affected with TSC1-related conditions. ClinVar contains an entry for this variant (Variation ID: 810455). Invitae Evidence Modeling of protein sequence and biophysical properties (such as structural, functional, and spatial information, amino acid conservation, physicochemical variation, residue mobility, and thermodynamic stability) indicates that this missense variant is not expected to disrupt TSC1 protein function with a negative predictive value of 95%. In summary, the available evidence is currently insufficient to determine the role of this variant in disease. Therefore, it has been classified as a Variant of Uncertain Significance.

Fulgent Genetics
Classification: Uncertain significance for Tuberous sclerosis 1; Lymphangiomyomatosis; Isolated focal cortical dysplasia type II. Last evaluated: 2024-03-13. Review status: criteria provided, single submitter. Criteria: ACMG Guidelines, 2015. Collection method: clinical testing. Allele origin: germline.

Ambry Genetics
Classification: Uncertain significance for Hereditary cancer-predisposing syndrome. Last evaluated: 2024-01-11. Review status: criteria provided, single submitter. Criteria: Ambry Variant Classification Scheme 2023. Collection method: clinical testing. Allele origin: germline.
Comment: The p.G1057V variant (also known as c.3170G>T), located in coding exon 21 of the TSC1 gene, results from a G to T substitution at nucleotide position 3170. The glycine at codon 1057 is replaced by valine, an amino acid with dissimilar properties. This amino acid position is conserved. In addition, this alteration is predicted to be tolerated by in silico analysis. Since supporting evidence is limited at this time, the clinical significance of this alteration remains unclear.

Genome-Nilou Lab
Classification: Uncertain significance for Tuberous sclerosis 1. Last evaluated: 2021-11-07. Review status: criteria provided, single submitter. Criteria: ACMG Guidelines, 2015. Collection method: clinical testing. Allele origin: germline. Affected: no.

CeGaT Center for Human Genetics Tuebingen
Classification: Uncertain significance. Last evaluated: 2019-05-01. Review status: criteria provided, single submitter. Criteria: CeGaT Center For Human Genetics Tuebingen Variant Classification Criteria Version 2. Collection method: clinical testing. Allele origin: germline. Affected: yes. Observed: 1 variant allele.